The following is an entry in ClinVar:

NM_004946.3(DOCK2):c.4135A>T (p.Met1379Leu)

Gene: DOCK2 (dedicator of cytokinesis 2; plus strand). Cytogenetic location: 5q35.1.
Variant type: single nucleotide variant.
Coding change: c.4135A>T on transcript NM_004946.3 (MANE Select); coding-DNA position 4135, A replaced by T.
Protein change: p.Met1379Leu; replaces methionine 1379 with leucine.
Molecular consequence: missense variant. On other transcripts: non-coding transcript variant (1).
Genome position (GRCh38, 1-based): chr5:170,050,319, A>T. VCF-style: chr5-170050319-A-T. GRCh37 (hg19) VCF-style: chr5-169477323-A-T.
Other names: short protein forms M1379L.
Identifiers: ClinVar variation 857494 (VCV000857494.8), dbSNP rs1243038784, ClinGen allele CA362110207.

ClinVar aggregate classification (germline): Uncertain significance. Review status: criteria provided, multiple submitters, no conflicts (2 of 4 stars). 2 submissions from 2 submitters: Uncertain significance (2). Last evaluated 2025-03-05.

Conditions:
Inborn genetic diseases. Identifiers: MedGen C0950123, MeSH D030342.
DOCK2 deficiency. Also called: Immunodeficiency 40. Identifiers: Orphanet 447737, MedGen C4225328, MONDO:0014637, OMIM 616433.

Allele frequency attached by ClinVar (database versions not stated): gnomAD exomes below 0.00001.

Submissions (2):

Ambry Genetics
Classification: Uncertain significance for Inborn genetic diseases. Last evaluated: 2025-03-05. Review status: criteria provided, single submitter. Criteria: Ambry Variant Classification Scheme 2023. Collection method: clinical testing. Allele origin: germline.

Labcorp Genetics (formerly Invitae), Labcorp
Classification: Uncertain significance for DOCK2 deficiency. Last evaluated: 2022-10-24. Review status: criteria provided, single submitter. Criteria: Invitae Variant Classification Sherloc (09022015). Collection method: clinical testing. Allele origin: germline.
Comment: This sequence change replaces methionine, which is neutral and non-polar, with leucine, which is neutral and non-polar, at codon 1379 of the DOCK2 protein (p.Met1379Leu). This variant is present in population databases (no rsID available, gnomAD 0.0009%). This variant has not been reported in the literature in individuals affected with DOCK2-related conditions. ClinVar contains an entry for this variant (Variation ID: 857494). Algorithms developed to predict the effect of missense changes on protein structure and function output the following: SIFT: "Tolerated"; PolyPhen-2: "Benign"; Align-GVGD: "Class C0". The leucine amino acid residue is found in multiple mammalian species, which suggests that this missense change does not adversely affect protein function. In summary, the available evidence is currently insufficient to determine the role of this variant in disease. Therefore, it has been classified as a Variant of Uncertain Significance.